The following is an entry in ClinVar:

NM_000532.5(PCCB):c.1313C>T (p.Ala438Val)

Gene: PCCB (propionyl-CoA carboxylase subunit beta; plus strand). Cytogenetic location: 3q22.3.
Variant type: single nucleotide variant.
Coding change: c.1313C>T on transcript NM_000532.5 (MANE Select); coding-DNA position 1313, C replaced by T.
Protein change: p.Ala438Val; replaces alanine 438 with valine.
Molecular consequence: missense variant.
Genome position (GRCh38, 1-based): chr3:136,327,647, C>T. VCF-style: chr3-136327647-C-T. GRCh37 (hg19) VCF-style: chr3-136046489-C-T.
Other names: c.1313C>T (NM_000532.4); c.1373C>T, p.Ala458Val (NM_001178014.2); short protein forms A438V, A458V.
Identifiers: ClinVar variation 2203448 (VCV002203448.6), dbSNP rs2529974111, ClinGen allele CA354649295.
Genomic context (GRCh38, chr3:136,327,647, plus strand): 5'-ATCTGGCTGTCTCAGGCTCTAACACTCAGCATTTGGATCTGTTTTAGGCCTATGGAGGTG[C>T]CTATGATGTCATGAGCTCTAAGCACCTTTGTGGTGATACCAACTATGCCTGGCCCACCGC-3'
Protein context (NP_000523.2, residues 428-448): TVITRKAYGG[Ala438Val]YDVMSSKHLC

ClinVar aggregate classification (germline): Likely pathogenic. Review status: criteria provided, multiple submitters, no conflicts (2 of 4 stars). 3 submissions from 3 submitters: Likely pathogenic (3). Last evaluated 2025-12-22.

Conditions:
Propionic acidemia (PROP). Also called: GLYCINEMIA, KETOTIC; HYPERGLYCINEMIA WITH KETOACIDOSIS AND LEUKOPENIA; KETOTIC HYPERGLYCINEMIA. Identifiers: Orphanet 35, MedGen C0268579, MONDO:0011628, OMIM 606054, HP:0003571.

Submissions (3):

Natera, Inc.
Classification: Likely pathogenic for Propionic acidemia. Last evaluated: 2025-12-22. Review status: criteria provided, single submitter. Criteria: Natera Variant Classification Schema (03/2026). Collection method: clinical testing. Allele origin: germline.
Comment: The c.1313C>T variant in PCCB is a missense variant predicted to cause substitution of alanine to valine at amino acid 438. This variant is rare in the general population with a frequency below the threshold expected for the associated phenotype(s). This variant has been observed in one or more individuals affected with the associated recessive disease, as either homozygous or compound heterozygous with a second variant (PMID: 22033733, 25495354). This variant has been identified in one or more affected individual with a phenotype highly consistent with the associated gene (PMID: 22033733). Computational prediction algorithms indicate this variant is likely to affect gene or protein function. Given the available evidence, this variant is classified as Likely Pathogenic.

Baylor Genetics
Classification: Likely pathogenic for Propionic acidemia. Last evaluated: 2023-08-22. Review status: criteria provided, single submitter. Criteria: ACMG Guidelines, 2015. Collection method: clinical testing. Allele origin: unknown.

Labcorp Genetics (formerly Invitae), Labcorp
Classification: Likely pathogenic for Propionic acidemia. Last evaluated: 2022-12-20. Review status: criteria provided, single submitter. Criteria: Invitae Variant Classification Sherloc (09022015). Collection method: clinical testing. Allele origin: germline.
Comment: In summary, the currently available evidence indicates that the variant is pathogenic, but additional data are needed to prove that conclusively. Therefore, this variant has been classified as Likely Pathogenic. Advanced modeling of protein sequence and biophysical properties (such as structural, functional, and spatial information, amino acid conservation, physicochemical variation, residue mobility, and thermodynamic stability) performed at Invitae indicates that this missense variant is expected to disrupt PCCB protein function. This missense change has been observed in individual(s) with propionic acidemia (PMID: 22033733). This variant is not present in population databases (gnomAD no frequency). This sequence change replaces alanine, which is neutral and non-polar, with valine, which is neutral and non-polar, at codon 438 of the PCCB protein (p.Ala438Val).

Literature cited by the submitters: PubMed 22033733 (cited by Natera, Inc. and Labcorp Genetics (formerly Invitae), Labcorp); PubMed 25495354 (cited by Natera, Inc.).